The following is an entry in ClinVar:

NM_024675.4(PALB2):c.164A>T (p.Gln55Leu)

Gene: PALB2 (partner and localizer of BRCA2; minus strand). Cytogenetic location: 16p12.2.
Variant type: single nucleotide variant.
Coding change: c.164A>T on transcript NM_024675.4 (MANE Select); coding-DNA position 164, A replaced by T.
Protein change: p.Gln55Leu; replaces glutamine 55 with leucine.
Molecular consequence: missense variant.
Genome position (GRCh38, 1-based): chr16:23,637,897, T>A on the plus strand (A>T on the coding strand, the complement: PALB2 is on the minus strand). VCF-style: chr16-23637897-T-A. GRCh37 (hg19) VCF-style: chr16-23649218-T-A.
Other names: short protein forms Q55L.
Identifiers: ClinVar variation 460905 (VCV000460905.9), dbSNP rs1555462056, ClinGen allele CA395139176.
Genomic context (GRCh38, chr16:23,637,897, plus strand): 5'-GGTCTAGATTTACCTGAGTGTTTTAGCTGCGGTGAGAGATCCTGCTGAGACAAACAATCT[T>A]GTTCTTCTACTGTTTTCTTAATAGAATGCTTAATCTTTTCAGCTCTTTGGGCACGCTAGA-3'
Protein context (NP_078951.2, residues 45-65): KHSIKKTVEE[Gln55Leu]DCLSQQDLSP

ClinVar aggregate classification (germline): Uncertain significance (1 of 4 stars; one submission).

Conditions:
Familial cancer of breast. Also called: BREAST CANCER, FAMILIAL; Hereditary breast cancer; hereditary breast carcinoma. Identifiers: Orphanet 227535, MedGen C0346153, MONDO:0016419, OMIM 114480. Disease mechanism: loss of function.

Submission:

Labcorp Genetics (formerly Invitae), Labcorp
Classification: Uncertain significance for Familial cancer of breast. Last evaluated: 2017-02-20. Review status: criteria provided, single submitter. Criteria: Invitae Variant Classification Sherloc (09022015). Collection method: clinical testing. Allele origin: germline.
Comment: In summary, this variant is a novel missense change with uncertain impact on protein function. It has been classified as a Variant of Uncertain Significance. Algorithms developed to predict the effect of missense changes on protein structure and function do not agree on the potential impact of this missense change (SIFT: "Deleterious"; PolyPhen-2: "Possibly Damaging"; Align-GVGD: "Class C0"). This variant is not present in population databases (ExAC no frequency) and has not been reported in the literature in individuals with a PALB2-related disease. This sequence change replaces glutamine with leucine at codon 55 of the PALB2 protein (p.Gln55Leu). The glutamine residue is weakly conserved and there is a moderate physicochemical difference between glutamine and leucine.